The following is an entry in ClinVar:

ClinVar aggregate classification (germline): Uncertain significance. Review status: criteria provided, multiple submitters, no conflicts (2 of 4 stars). 2 submissions from 2 submitters: Uncertain significance (2). Last evaluated 2025-05-23.

Allele frequency attached by ClinVar (database versions not stated): gnomAD exomes below 0.00001.
gnomAD v4.1: 2 of 1,612,390 alleles (0.00012%); highest among the groups gnomAD compares: Non-Finnish European, 0.00017%; no homozygotes.

Submissions (2):

Dasa
Classification: Uncertain significance. Last evaluated: 2025-05-23. Review status: criteria provided, single submitter. Criteria: DASA Assertion Criteria. Collection method: clinical testing. Allele origin: germline.
Comment: NM_001197104.2(KMT2A):c.5360G>C (p.Ser1787Thr) is a missense variant that results in the substitution of serine with threonine. This variant is rare in population databases. Computational prediction algorithms are consistent with a benign effect. The currently available literature and clinical evidence are not sufficient to establish a definitive association between this variant and the reported condition. Therefore, this variant is classified as a variant of uncertain significance.

Labcorp Genetics (formerly Invitae), Labcorp
Classification: Uncertain significance. Last evaluated: 2022-12-02. Review status: criteria provided, single submitter. Criteria: Invitae Variant Classification Sherloc (09022015). Collection method: clinical testing. Allele origin: germline.
Comment: In summary, the available evidence is currently insufficient to determine the role of this variant in disease. Therefore, it has been classified as a Variant of Uncertain Significance. Advanced modeling of protein sequence and biophysical properties (such as structural, functional, and spatial information, amino acid conservation, physicochemical variation, residue mobility, and thermodynamic stability) performed at Invitae indicates that this missense variant is not expected to disrupt KMT2A protein function. This variant has not been reported in the literature in individuals affected with KMT2A-related conditions. This variant is not present in population databases (gnomAD no frequency). This sequence change replaces serine, which is neutral and polar, with threonine, which is neutral and polar, at codon 1787 of the KMT2A protein (p.Ser1787Thr).

NM_001197104.2(KMT2A):c.5360G>C (p.Ser1787Thr)

Gene: KMT2A (lysine methyltransferase 2A; plus strand). Cytogenetic location: 11q23.3.
Variant type: single nucleotide variant.
Coding change: c.5360G>C on transcript NM_001197104.2 (MANE Select); coding-DNA position 5360, G replaced by C.
Protein change: p.Ser1787Thr; replaces serine 1787 with threonine.
Molecular consequence: missense variant.
Genome position (GRCh38, 1-based): chr11:118,494,764, G>C. VCF-style: chr11-118494764-G-C. GRCh37 (hg19) VCF-style: chr11-118365479-G-C.
Other names: c.5450G>C, p.Ser1817Thr (NM_001412597.1); c.5351G>C, p.Ser1784Thr (NM_005933.4); short protein forms S1817T, S1787T, S1784T.
Identifiers: ClinVar variation 2817988 (VCV002817988.5), dbSNP rs2496938574, ClinGen allele CA382838068.
Genomic context (GRCh38, chr11:118,494,764, plus strand): 5'-GTGTTTTTCCATGGTTCAGTGTCAAAAAGTCCAGGTTTTGGGAGCCAAATAAAGTATCAA[G>C]CAAGTAAGTGAATTTAGCATAACTTTTTTTTCTCCTCATCGGCTAGAAATCTGAGAGTTC-3'
Protein context (NP_001184033.1, residues 1777-1797): SRFWEPNKVS[Ser1787Thr]NSGMLPNAVL